The following is an entry in ClinVar:

NM_000465.4(BARD1):c.1810G>A (p.Val604Ile)

Gene: BARD1 (BRCA1 associated RING domain 1; minus strand). Cytogenetic location: 2q35.
Variant type: single nucleotide variant.
Coding change: c.1810G>A on transcript NM_000465.4 (MANE Select); coding-DNA position 1810, G replaced by A.
Protein change: p.Val604Ile; replaces valine 604 with isoleucine.
Molecular consequence: missense variant. On other transcripts: non-coding transcript variant (3), intron variant (1).
Genome position (GRCh38, 1-based): chr2:214,745,722, C>T on the plus strand (G>A on the coding strand, the complement: BARD1 is on the minus strand). VCF-style: chr2-214745722-C-T. GRCh37 (hg19) VCF-style: chr2-215610446-C-T.
Other names: c.1753G>A, p.Val585Ile (NM_001282543.2); c.457G>A, p.Val153Ile (NM_001282545.2); c.400G>A, p.Val134Ile (NM_001282548.2); c.365-15214G>A (NM_001282549.2); c.1810G>A (NM_000465.2); short protein forms V604I, V153I, V134I, V585I.
Identifiers: ClinVar variation 460724 (VCV000460724.12), dbSNP rs1553615089, ClinGen allele CA350452480.
Genomic context (GRCh38, chr2:214,745,722, plus strand): 5'-CAAAAGGATCATCTATTTAACATTTTTTCTACCCCACCTCCCAAAATTCAAAATCCTCAC[C>T]TGTACTGTCAAACTCAGTATATTTTTTAGCCTTAAGAATTACTGCAAGCTCACTGAGCAT-3'
Protein context (NP_000456.2, residues 594-614): AKKYTEFDST[Val604Ile]THVVVPGDAV

ClinVar aggregate classification (germline): Conflicting classifications of pathogenicity. Review status: criteria provided, conflicting classifications (1 of 4 stars). 4 submissions from 4 submitters: Likely pathogenic (3); Uncertain significance (1). Last evaluated 2025-12-29.

Conditions:
Hereditary cancer-predisposing syndrome. Also called: Neoplastic Syndromes, Hereditary; Tumor predisposition; Hereditary Cancer Syndrome; Hereditary neoplastic syndrome. Identifiers: Orphanet 140162, MedGen C0027672, MeSH D009386, MONDO:0015356.
Familial cancer of breast. Also called: BREAST CANCER, FAMILIAL; hereditary breast carcinoma; Hereditary breast cancer. Identifiers: Orphanet 227535, MedGen C0346153, MONDO:0016419, OMIM 114480. Disease mechanism: loss of function.
Hereditary breast ovarian cancer syndrome. Also called: Hereditary breast and ovarian cancer syndrome; Hereditary breast and ovarian cancer syndrome (HBOC); Hereditary breast and ovarian cancer; BRCA1- and BRCA2-Associated Hereditary Breast and Ovarian Cancer; Breast and ovarian cancer; Hereditary breast and/or ovarian cancer syndrome. Identifiers: Orphanet 145, MedGen C0677776, MeSH D061325, MONDO:0003582. Disease mechanism: loss of function.

Submissions (4):

Center for Genomic Medicine, Rigshospitalet, Copenhagen University Hospital
Classification: Likely pathogenic. Last evaluated: 2025-12-29. Review status: criteria provided, single submitter. Criteria: ACMG Guidelines, 2015. Collection method: clinical testing. Allele origin: germline.

Ambry Genetics
Classification: Likely pathogenic for Hereditary cancer-predisposing syndrome. Last evaluated: 2025-09-03. Review status: criteria provided, single submitter. Criteria: Ambry Variant Classification Scheme 2023. Collection method: clinical testing. Allele origin: germline.
Comment: The c.1810G>A variant (also known as p.V604I), located in coding exon 8 of the BARD1 gene, results from a G to A substitution at nucleotide position 1810. The amino acid change results in valine to isoleucine at codon 604, an amino acid with highly similar properties. However, this change occurs in the last base pair of coding exon 8, which makes it likely to have some effect on normal mRNA splicing. This nucleotide position is highly conserved in available vertebrate species. In silico splice site analysis predicts that this alteration will weaken the native splice donor site. RNA studies have demonstrated that this alteration results in abnormal splicing in the set of samples tested (Ambry internal data). Based on the majority of available evidence to date, this variant is likely to be pathogenic.

German Consortium for Hereditary Breast and Ovarian Cancer, University Hospital Cologne
Classification: Likely pathogenic for Hereditary breast ovarian cancer syndrome. Last evaluated: 2025-08-12. Review status: criteria provided, single submitter. Criteria: ACMG Guidelines, 2015. Collection method: curation. Allele origin: germline.
Comment: This classification follows the ACMG SVI adaptation classification scheme; We chose these criteria: PVS1 (very strong pathogenic): Own RNA-Analysis (64984) revealed monoallelic expression of the wt-allel, PM2 (supporting pathogenic): absent from gnomAD v4/3/2

Labcorp Genetics (formerly Invitae), Labcorp
Classification: Uncertain significance for Familial cancer of breast. Last evaluated: 2021-09-15. Review status: criteria provided, single submitter. Criteria: Invitae Variant Classification Sherloc (09022015). Collection method: clinical testing. Allele origin: germline.
Comment: Algorithms developed to predict the effect of missense changes on protein structure and function (SIFT, PolyPhen-2, Align-GVGD) all suggest that this variant is likely to be disruptive. This sequence change replaces valine with isoleucine at codon 604 of the BARD1 protein (p.Val604Ile). The valine residue is highly conserved and there is a small physicochemical difference between valine and isoleucine. This variant also falls at the last nucleotide of exon 8, which is part of the consensus splice site for this exon. This variant is not present in population databases (ExAC no frequency). This variant has not been reported in the literature in individuals affected with BARD1-related conditions. Variants that disrupt the consensus splice site are a relatively common cause of aberrant splicing (PMID: 17576681, 9536098). Algorithms developed to predict the effect of sequence changes on RNA splicing suggest that this variant may disrupt the consensus splice site. In summary, the available evidence is currently insufficient to determine the role of this variant in disease. Therefore, it has been classified as a Variant of Uncertain Significance.

Literature cited by the submitters: PubMed 28135145 (cited by Center for Genomic Medicine, Rigshospitalet, Copenhagen University Hospital); PubMed 17576681 (cited by Labcorp Genetics (formerly Invitae), Labcorp); PubMed 9536098 (cited by Labcorp Genetics (formerly Invitae), Labcorp).